The following is an entry in ClinVar:

ClinVar aggregate classification (germline): Uncertain significance (1 of 4 stars; one submission).

Conditions:
Primary ciliary dyskinesia 5. Also called: CILIARY DYSKINESIA, PRIMARY, 5, WITHOUT SITUS INVERSUS. Identifiers: Orphanet 244, MedGen C1837615, MONDO:0012088, OMIM 608647.

Submission:

Foundation for Research in Genetics and Endocrinology, FRIGE's Institute of Human Genetics
Classification: Uncertain significance for Primary ciliary dyskinesia 5. Review status: criteria provided, single submitter. Criteria: ACMG Guidelines, 2015. Collection method: clinical testing. Allele origin: germline. Inheritance: Autosomal recessive inheritance. Affected: yes. Observed: 1 heterozygote.
Comment: A heterozygous missense variant in exon 34 of the HYDIN gene that results in substitution of Methionine for Valine was detected. Simultaneously, another heterozygous missense variant in exon 4 of the HYDIN gene that results in substitution of Tyrosine for Asparagine was detected. Both variants have not been observed in the 1000 genomes and gnomAD databases. In silico prediction suggests both variants to be damaging by SIFT and CADD. The reference codon is conserved across species. Absence of paternal sample led to un-resolved haplotype structure for these variants.

NM_001270974.2(HYDIN):c.5152G>A (p.Val1718Met)

Gene: HYDIN (HYDIN axonemal central pair apparatus protein; minus strand). Cytogenetic location: 16q22.2.
Variant type: single nucleotide variant.
Coding change: c.5152G>A on transcript NM_001270974.2 (MANE Select); coding-DNA position 5152, G replaced by A.
Protein change: p.Val1718Met; replaces valine 1718 with methionine.
Molecular consequence: missense variant.
Genome position (GRCh38, 1-based): chr16:70,973,906, C>T on the plus strand (G>A on the coding strand, the complement: HYDIN is on the minus strand). VCF-style: chr16-70973906-C-T. GRCh37 (hg19) VCF-style: chr16-71007809-C-T.
Other names: p.Val1718Met; short protein forms V1718M.
Identifiers: ClinVar variation 2446882 (VCV002446882.2), dbSNP rs783762, ClinGen allele CA283529659.
Genomic context (GRCh38, chr16:70,973,906, plus strand): 5'-GGCTCTGGACGAACCATTCACAAGGGACTTGGAGATGATTGGAAAGCTGAATAGTTTCCA[C>T]CAGGCACTGTCCACACTGAATTGTGGCAAAGTCCACTTTTCCACGAGAGAGAGTCATGGT-3'
Protein context (NP_001257903.1, residues 1708-1728): FATIQCGQCL[Val1718Met]ETIQLSNHLQ